The following is an entry in ClinVar:

NM_020708.5(SLC12A5):c.937G>A (p.Val313Met)

Gene: SLC12A5 (solute carrier family 12 member 5; plus strand). Cytogenetic location: 20q13.12.
Variant type: single nucleotide variant.
Coding change: c.937G>A on transcript NM_020708.5 (MANE Select); coding-DNA position 937, G replaced by A.
Protein change: p.Val313Met; replaces valine 313 with methionine.
Molecular consequence: missense variant.
Genome position (GRCh38, 1-based): chr20:46,041,411, G>A. VCF-style: chr20-46041411-G-A. GRCh37 (hg19) VCF-style: chr20-44670050-G-A.
Other names: c.1006G>A, p.Val336Met (NM_001134771.2); short protein forms V313M, V336M.
Identifiers: ClinVar variation 657120 (VCV000657120.7), dbSNP rs138569099, ClinGen allele CA9887183.

ClinVar aggregate classification (germline): Uncertain significance (1 of 4 stars; one submission).

Conditions:
Developmental and epileptic encephalopathy, 34 (DEE34). Also called: Early infantile epileptic encephalopathy 34; SLC12A5-Related Epilepsy of Infancy with Migrating Focal Seizures. Identifiers: Orphanet 293181, MedGen C4225257, MONDO:0014718, OMIM 616645.

Allele frequency attached by ClinVar (database versions not stated): ExAC 0.00001; gnomAD exomes 0.00001; TOPMed 0.00002; ESP Exome Variant Server 0.00008.

Submission:

Labcorp Genetics (formerly Invitae), Labcorp
Classification: Uncertain significance for Developmental and epileptic encephalopathy, 34. Last evaluated: 2024-10-29. Review status: criteria provided, single submitter. Criteria: Invitae Variant Classification Sherloc (09022015). Collection method: clinical testing. Allele origin: germline.
Comment: This sequence change replaces valine, which is neutral and non-polar, with methionine, which is neutral and non-polar, at codon 313 of the SLC12A5 protein (p.Val313Met). This variant is present in population databases (rs138569099, gnomAD 0.007%). This variant has not been reported in the literature in individuals affected with SLC12A5-related conditions. ClinVar contains an entry for this variant (Variation ID: 657120). Invitae Evidence Modeling of protein sequence and biophysical properties (such as structural, functional, and spatial information, amino acid conservation, physicochemical variation, residue mobility, and thermodynamic stability) indicates that this missense variant is not expected to disrupt SLC12A5 protein function with a negative predictive value of 80%. In summary, the available evidence is currently insufficient to determine the role of this variant in disease. Therefore, it has been classified as a Variant of Uncertain Significance.